The following is an entry in ClinVar:

NM_003263.4(TLR1):c.321G>A (p.Lys107=)

Gene: TLR1 (toll like receptor 1; minus strand). Cytogenetic location: 4p14.
Variant type: single nucleotide variant.
Coding change: c.321G>A on transcript NM_003263.4 (MANE Select); coding-DNA position 321, G replaced by A.
Protein change: p.Lys107=; no amino-acid change (lysine 107 retained).
Molecular consequence: synonymous variant.
Genome position (GRCh38, 1-based): chr4:38,798,511, C>T on the plus strand (G>A on the coding strand, the complement: TLR1 is on the minus strand). VCF-style: chr4-38798511-C-T. GRCh37 (hg19) VCF-style: chr4-38800132-C-T.
Identifiers: ClinVar variation 3049820 (VCV003049820.2), dbSNP rs780841704, ClinGen allele CA2889569.

ClinVar aggregate classification (germline): Likely benign (0 of 4 stars; one submission).

Conditions:
TLR1-related disorder. Also called: TLR1-related condition.

Allele frequency attached by ClinVar (database versions not stated): ExAC 0.00001; gnomAD exomes 0.00003.
gnomAD v4.1: 18 of 1,614,154 alleles (0.0011%); highest among the groups gnomAD compares: Middle Eastern, 0.26%; no homozygotes.

Submission:

PreventionGenetics, part of Exact Sciences
Classification: Likely benign for TLR1-related condition. Last evaluated: 2019-03-01. Review status: no assertion criteria provided. Collection method: clinical testing. Allele origin: germline.
Comment: This variant is classified as likely benign based on ACMG/AMP sequence variant interpretation guidelines (Richards et al. 2015 PMID: 25741868, with internal and published modifications).